The following is an entry in ClinVar:

ClinVar aggregate classification (germline): Uncertain significance (1 of 4 stars; one submission).

gnomAD v4.1: 33 of 1,613,772 alleles (0.002%); highest among the groups gnomAD compares: African/African-American, 0.031%; 1 homozygote.

Submission:

Women's Health and Genetics/Laboratory Corporation of America, LabCorp
Classification: Uncertain significance. Last evaluated: 2025-06-26. Review status: criteria provided, single submitter. Criteria: LabCorp Variant Classification Summary - May 2015. Collection method: clinical testing. Allele origin: germline.
Comment: Variant summary: FCGR2A c.106+1G>T is located in a canonical splice-site and is predicted to affect mRNA splicing resulting in a significantly altered protein due to either exon skipping, shortening, or inclusion of intronic material. Variants that disrupt the consensus splice site are a relatively common cause of aberrant splicing, however current evidence is not sufficient to establish loss of function as a mechanism for disease. Several computational tools predict a significant impact on normal splicing: Four predict the variant abolishes a 5' splicing donor site. However, these predictions have yet to be confirmed by functional studies. The variant allele was found at a frequency of 2e-05 in 251442 control chromosomes (gnomAD). The available data on variant occurrences in the general population are insufficient to allow any conclusion about variant significance. To our knowledge, no occurrence of c.106+1G>T in individuals affected with FCGR2A-Related Disorders and no experimental evidence demonstrating its impact on protein function have been reported. No submitters have cited clinical-significance assessments for this variant to ClinVar. Based on the evidence outlined above, the variant was classified as uncertain significance.

NM_001136219.3(FCGR2A):c.106+1G>T

Gene: FCGR2A (Fc gamma receptor IIa; plus strand). Cytogenetic location: 1q23.3.
Variant type: single nucleotide variant.
Coding change: c.106+1G>T on transcript NM_001136219.3 (MANE Select); the canonical splice donor site of the intron after coding-DNA position 106, G replaced by T.
Molecular consequence: splice donor variant.
Genome position (GRCh38, 1-based): chr1:161,506,008, G>T. VCF-style: chr1-161506008-G-T. GRCh37 (hg19) VCF-style: chr1-161475798-G-T.
Other names: c.106+1G>T (NM_001375296.1, NM_021642.5, NM_001375297.1).
Identifiers: ClinVar variation 3907500 (VCV003907500.1).